The following is an entry in ClinVar:

ClinVar aggregate classification (germline): Benign/Likely benign. Review status: criteria provided, multiple submitters, no conflicts (2 of 4 stars). 6 submissions from 5 submitters: Benign (3); Likely benign (3). Last evaluated 2026-01-06.

Conditions:
Familial cutaneous telangiectasia and oropharyngeal predisposition cancer syndrome. Identifiers: Orphanet 313846, MedGen C3281203, MONDO:0013806, OMIM 614564.
Inborn genetic diseases. Identifiers: MedGen C0950123, MeSH D030342.
Seckel syndrome 1 (SCKL1). Also called: MICROCEPHALIC PRIMORDIAL DWARFISM I. Identifiers: Orphanet 808, MedGen C4551474, MONDO:0008869, OMIM 210600.

Allele frequency attached by ClinVar (database versions not stated): gnomAD exomes 0.00009 and 0.00023; ExAC 0.00036; ESP Exome Variant Server 0.00054; gnomAD 0.00083 and 0.00092; TOPMed 0.00100.
gnomAD v4.1: 262 of 1,613,706 alleles (0.016%); highest among the groups gnomAD compares: African/African-American, 0.25%; no homozygotes.

Submissions (6):

Labcorp Genetics (formerly Invitae), Labcorp
Classification: Benign. Last evaluated: 2026-01-06. Review status: criteria provided, single submitter. Criteria: Invitae Variant Classification Sherloc (09022015). Collection method: clinical testing. Allele origin: germline.

Blueprint Genetics
Classification: Likely benign. Last evaluated: 2023-09-22. Review status: criteria provided, single submitter. Criteria: ACMG Guidelines, 2015. Collection method: clinical testing. Allele origin: germline.

Genome-Nilou Lab
Classification: Benign for Seckel syndrome 1. Last evaluated: 2023-02-08. Review status: criteria provided, single submitter. Criteria: ACMG Guidelines, 2015. Collection method: clinical testing. Allele origin: germline.

Genome-Nilou Lab
Classification: Benign for Familial cutaneous telangiectasia and oropharyngeal predisposition cancer syndrome. Last evaluated: 2023-02-08. Review status: criteria provided, single submitter. Criteria: ACMG Guidelines, 2015. Collection method: clinical testing. Allele origin: germline.

Ambry Genetics
Classification: Likely benign for Inborn genetic diseases. Last evaluated: 2022-02-12. Review status: criteria provided, single submitter. Criteria: Ambry Variant Classification Scheme 2023. Collection method: clinical testing. Allele origin: germline.

Illumina Laboratory Services, Illumina
Classification: Likely benign for Seckel syndrome 1. Last evaluated: 2018-03-06. Review status: criteria provided, single submitter. Criteria: ICSL Variant Classification Criteria 13 December 2019. Collection method: clinical testing. Allele origin: germline.
Comment: This variant was observed in the ICSL laboratory as part of a predisposition screen in an ostensibly healthy population. It had not been previously curated by ICSL or reported in the Human Gene Mutation Database (HGMD: prior to June 1st, 2018), and was therefore a candidate for classification through an automated scoring system. Utilizing variant allele frequency, disease prevalence and penetrance estimates, and inheritance mode, an automated score was calculated to assess if this variant is too frequent to cause the disease. Based on the score and internal cut-off values, a variant classified as likely benign is not then subjected to further curation. The score for this variant resulted in a classification of likely benign for this disease.

NM_001184.4(ATR):c.5070C>T (p.Ala1690=)

Gene: ATR (ATR checkpoint kinase; minus strand). Cytogenetic location: 3q23.
Variant type: single nucleotide variant.
Coding change: c.5070C>T on transcript NM_001184.4 (MANE Select); coding-DNA position 5070, C replaced by T.
Protein change: p.Ala1690=; no amino-acid change (alanine 1690 retained).
Molecular consequence: synonymous variant.
Genome position (GRCh38, 1-based): chr3:142,505,265, G>A on the plus strand (C>T on the coding strand, the complement: ATR is on the minus strand). VCF-style: chr3-142505265-G-A. GRCh37 (hg19) VCF-style: chr3-142224107-G-A.
Other names: c.4878C>T, p.Ala1626= (NM_001354579.2).
Identifiers: ClinVar variation 696341 (VCV000696341.18), dbSNP rs142881746, ClinGen allele CA2649681.